The following is an entry in ClinVar:

NM_000439.5(PCSK1):c.371C>T (p.Pro124Leu)

Genes: CAST (calpastatin; plus strand), PCSK1 (proprotein convertase subtilisin/kexin type 1; minus strand), LOC101929710 (uncharacterized LOC101929710; plus strand). Cytogenetic location: 5q15.
Variant type: single nucleotide variant.
Coding change: c.371C>T on transcript NM_000439.5 (MANE Select); coding-DNA position 371, C replaced by T.
Protein change: p.Pro124Leu; replaces proline 124 with leucine.
Molecular consequence: missense variant. On other transcripts: intron variant (11).
Genome position (GRCh38, 1-based): chr5:96,425,845, G>A on the plus strand (C>T on the coding strand, the complement: PCSK1 is on the minus strand). VCF-style: chr5-96425845-G-A. GRCh37 (hg19) VCF-style: chr5-95761549-G-A.
Other names: c.-175+46193G>A (NM_001423260.1, NM_001423254.1, NM_001423259.1 and 6 more transcripts); c.230C>T, p.Pro77Leu (NM_001177875.2); c.-103+46193G>A (NM_001423253.1); c.-40+46193G>A (NM_001423258.1); short protein forms P124L, P77L.
Identifiers: ClinVar variation 4984636 (VCV004984636.1).

ClinVar aggregate classification (germline): Uncertain significance (1 of 4 stars; one submission).

Conditions:
PCSK1-related disorder. Also called: PCSK1-related condition.

gnomAD v4.1: 3 of 1,603,014 alleles (0.00019%); highest among the groups gnomAD compares: Non-Finnish European, 0.00017%; no homozygotes.

Submission:

PreventionGenetics, part of Exact Sciences
Classification: Uncertain significance for PCSK1-related condition. Last evaluated: 2025-10-31. Review status: criteria provided, single submitter. Criteria: ACMG Guidelines, 2015. Collection method: clinical testing. Allele origin: germline.
Comment: The PCSK1 c.371C>T variant is predicted to result in the amino acid substitution p.Pro124Leu. This variant was observed in a cohort of obese individuals, and in vitro functional studies show reduced PCSK1 cleavage activity (Supplemental Table 1, Shah et al. 2023. PubMed ID: 36864747). This variant is reported in 0.00088% of alleles in individuals of European (Non-Finnish) descent in gnomAD. Although we suspect that this variant may be pathogenic, at this time, the clinical significance of this variant is uncertain due to the absence of conclusive functional and genetic evidence.